The following is an entry in ClinVar:

NM_018249.6(CDK5RAP2):c.2258A>G (p.Glu753Gly)

Gene: CDK5RAP2 (CDK5 regulatory subunit associated protein 2; minus strand). Cytogenetic location: 9q33.2.
Variant type: single nucleotide variant.
Coding change: c.2258A>G on transcript NM_018249.6 (MANE Select); coding-DNA position 2258, A replaced by G.
Protein change: p.Glu753Gly; replaces glutamic acid 753 with glycine.
Molecular consequence: missense variant. On other transcripts: non-coding transcript variant (5), intron variant (1).
Genome position (GRCh38, 1-based): chr9:120,458,567, T>C on the plus strand (A>G on the coding strand, the complement: CDK5RAP2 is on the minus strand). VCF-style: chr9-120458567-T-C. GRCh37 (hg19) VCF-style: chr9-123220845-T-C.
Other names: c.2258A>G, p.Glu753Gly (NM_001011649.3); c.2159A>G, p.Glu720Gly (NM_001410992.1); c.2162A>G, p.Glu721Gly (NM_001410993.1); c.2255A>G, p.Glu752Gly (NM_001410994.1); c.2103+9293A>G (NM_001272039.2); short protein forms E720G, E721G, E752G, E753G.
Identifiers: ClinVar variation 1975695 (VCV001975695.2), dbSNP rs765185620, ClinGen allele CA5214106.

ClinVar aggregate classification (germline): Uncertain significance (1 of 4 stars; one submission).

Allele frequency attached by ClinVar (database versions not stated): gnomAD exomes below 0.00001; ExAC 0.00001.
gnomAD v4.1: 4 of 1,614,150 alleles (0.00025%); highest among the groups gnomAD compares: East Asian, 0.0022%; no homozygotes.

Submission:

Labcorp Genetics (formerly Invitae), Labcorp
Classification: Uncertain significance. Last evaluated: 2022-03-18. Review status: criteria provided, single submitter. Criteria: Invitae Variant Classification Sherloc (09022015). Collection method: clinical testing. Allele origin: germline.
Comment: This sequence change replaces glutamic acid, which is acidic and polar, with glycine, which is neutral and non-polar, at codon 753 of the CDK5RAP2 protein (p.Glu753Gly). This variant is present in population databases (rs765185620, gnomAD 0.0009%). This variant has not been reported in the literature in individuals affected with CDK5RAP2-related conditions. Algorithms developed to predict the effect of missense changes on protein structure and function (SIFT, PolyPhen-2, Align-GVGD) all suggest that this variant is likely to be tolerated. Algorithms developed to predict the effect of sequence changes on RNA splicing suggest that this variant may disrupt the consensus splice site. In summary, the available evidence is currently insufficient to determine the role of this variant in disease. Therefore, it has been classified as a Variant of Uncertain Significance.